The following is an entry in ClinVar:

NM_000158.4(GBE1):c.476C>T (p.Pro159Leu)

Gene: GBE1 (1,4-alpha-glucan branching enzyme 1; minus strand). Cytogenetic location: 3p12.2.
Variant type: single nucleotide variant.
Coding change: c.476C>T on transcript NM_000158.4 (MANE Select); coding-DNA position 476, C replaced by T.
Protein change: p.Pro159Leu; replaces proline 159 with leucine.
Molecular consequence: missense variant.
Genome position (GRCh38, 1-based): chr3:81,649,875, G>A on the plus strand (C>T on the coding strand, the complement: GBE1 is on the minus strand). VCF-style: chr3-81649875-G-A. GRCh37 (hg19) VCF-style: chr3-81699026-G-A.
Other names: c.476C>T (NM_000158.3); short protein forms P159L.
Identifiers: ClinVar variation 1332747 (VCV001332747.4), dbSNP rs1559676007, ClinGen allele CA353688693.

ClinVar aggregate classification (germline): Conflicting classifications of pathogenicity. Review status: criteria provided, conflicting classifications (1 of 4 stars). 3 submissions from 3 submitters: Pathogenic (1); Likely pathogenic (1); Uncertain significance (1). Last evaluated 2025-11-21.

Conditions:
Inborn genetic diseases. Identifiers: MedGen C0950123, MeSH D030342.
Glycogen storage disease, type IV (GSD4). Also called: Glycogen storage disease due to glycogen branching enzyme deficiency; AMYLOPECTINOSIS; ANDERSEN DISEASE; BRANCHER DEFICIENCY; CIRRHOSIS, FAMILIAL, WITH DEPOSITION OF ABNORMAL GLYCOGEN; GBE1 DEFICIENCY. Identifiers: Orphanet 367, MedGen C0017923, MONDO:0009292, OMIM 232500.

Allele frequency attached by ClinVar (database versions not stated): TOPMed 0.00001; gnomAD exomes below 0.00001; gnomAD 0.00001.
gnomAD v4.1: 11 of 1,609,334 alleles (0.00068%); highest among the groups gnomAD compares: Middle Eastern, 0.016%; no homozygotes.

Submissions (3):

Natera, Inc.
Classification: Likely pathogenic for Glycogen storage disease type IV. Last evaluated: 2025-11-21. Review status: criteria provided, single submitter. Criteria: Natera Variant Classification Schema (03/2026). Collection method: clinical testing. Allele origin: germline.
Comment: The c.476C>T variant in GBE1 is a missense variant predicted to cause substitution of proline to leucine at amino acid 159. This variant is rare in the general population with a frequency below the threshold expected for the associated phenotype(s). This variant has been observed in one or more individuals affected with the associated recessive disease, as either homozygous or compound heterozygous with a second variant (PMID: 38912588). Computational prediction algorithms indicate this variant is likely to affect gene or protein function. Given the available evidence, this variant is classified as Likely Pathogenic.

Ambry Genetics
Classification: Uncertain significance for Inborn genetic diseases. Last evaluated: 2024-02-20. Review status: criteria provided, single submitter. Criteria: Ambry Variant Classification Scheme 2023. Collection method: clinical testing. Allele origin: germline.
Comment: The c.476C>T (p.P159L) alteration is located in exon 4 (coding exon 4) of the GBE1 gene. This alteration results from a C to T substitution at nucleotide position 476, causing the proline (P) at amino acid position 159 to be replaced by a leucine (L). Based on data from gnomAD, the T allele has an overall frequency of <0.001% (1/248106) total alleles studied. The highest observed frequency was 0.001% (1/112522) of European (non-Finnish) alleles. This amino acid position is highly conserved in available vertebrate species. This alteration is predicted to be deleterious by in silico analysis. Based on insufficient or conflicting evidence, the clinical significance of this alteration remains unclear.

Kasturba Medical College, Manipal, Kasturba Medical College, Manipal, Manipal Academy of Higher Education, Manipal, India
Classification: Pathogenic for Glycogen storage disease, type IV. Review status: criteria provided, single submitter. Criteria: ACMG Guidelines, 2015. Collection method: clinical testing. Allele origin: inherited. Inheritance: Autosomal recessive inheritance. Affected: yes.

Literature cited by the submitters: PubMed 38912588 (cited by Natera, Inc.).